The following is an entry in ClinVar:

ClinVar aggregate classification (germline): Conflicting classifications of pathogenicity. Review status: criteria provided, conflicting classifications (1 of 4 stars). 5 submissions from 5 submitters: Likely risk allele (1); Uncertain significance (3). 1 of the submissions does not count toward it. Last evaluated 2023-04-03.

Conditions:
Maturity-onset diabetes of the young type 1. Also called: HNF4A-Related Maturity-Onset Diabetes of the Young Type 1; MILD JUVENILE DIABETES MELLITUS; MODY type 1; Diabetes mellitus MODY type 1; MODY HNF4A related; MODY, type I. Identifiers: Orphanet 552, MedGen C1852093, MONDO:0007452, OMIM 125850. Disease mechanism: loss of function.
Maturity-onset diabetes of the young (MODY). Also called: Maturity onset diabetes mellitus in young. Identifiers: Orphanet 552, MedGen C0342276, MONDO:0018911, HP:0004904.
Type 2 diabetes mellitus. Also called: Type II diabetes mellitus. Identifiers: MedGen C0011860, MeSH D003924, MONDO:0005148, OMIM 125853, HP:0005978.
Fanconi renotubular syndrome 4 with maturity-onset diabetes of the young (FRTS4). Also called: FRTS4 WITH MODY. Identifiers: Orphanet 93111, MedGen C4014962, MONDO:0014458, OMIM 616026.

Allele frequency attached by ClinVar (database versions not stated): TOPMed 0.00001; gnomAD 0.00003.
gnomAD v4.1: 43 of 1,614,010 alleles (0.0027%); highest among the groups gnomAD compares: Non-Finnish European, 0.0036%; no homozygotes.

Submissions (5):

Blueprint Genetics
Classification: Uncertain significance. Last evaluated: 2023-04-03. Review status: criteria provided, single submitter. Criteria: ACMG Guidelines, 2015. Collection method: clinical testing. Allele origin: germline.

Fulgent Genetics
Classification: Uncertain significance for Maturity-onset diabetes of the young type 1; Type 2 diabetes mellitus; Fanconi renotubular syndrome 4 with maturity-onset diabetes of the young. Last evaluated: 2021-10-28. Review status: criteria provided, single submitter. Criteria: ACMG Guidelines, 2015. Collection method: clinical testing. Allele origin: unknown.

Broad Center for Mendelian Genomics, Broad Institute of MIT and Harvard
Classification: Uncertain significance for Maturity-onset diabetes of the young type 1. Last evaluated: 2020-01-22. Review status: criteria provided, single submitter. Criteria: ACMG Guidelines, 2015. Collection method: curation. Allele origin: germline. Inheritance: Autosomal dominant inheritance.
Comment: The p.Tyr286Cys variant in HNF4A has not been previously reported in individuals with MODY and has been identified in 0.003% (4/129190) of European (non-Finnish) chromosomes by the Genome Aggregation Database (gnomAD; dbSNP rs748714111). Computational prediction tools and conservation analyses suggest that this variant may impact the protein, though this information is not predictive enough to determine pathogenicity. In summary, while there is some suspicion for a pathogenic role, the clinical significance of this variant is uncertain. ACMG/AMP Criteria applied: PP3 (Richards 2015).

Clinical Genomics, Uppaluri K&H Personalized Medicine Clinic
Classification: Likely risk allele for Maturity-onset diabetes of the young. Review status: criteria provided, single submitter. Criteria: K & H Uppaluri Personalized Medicine Clinic Variant Classification & Assertion Criteria_Updated V.1. Collection method: research. Allele origin: unknown. Inheritance: Autosomal dominant inheritance.
Comment: Potent mutations in HNF4A are associated with poor insulin secretion in response to hyperglycemia. Associated with MODY1. Patients initially respond well to sulfonylureas but eventually become insulin dependent. However, more evidence is required to ascertain the role of this particular variant rs748714111 in MODY, yet.

Gharavi Laboratory, Columbia University
Classification: Uncertain significance. Last evaluated: 2018-09-16. Review status: no assertion criteria provided. Criteria: ACMG Guidelines, 2015. Collection method: research. Allele origin: germline. Affected: no. Not counted in ClinVar's aggregate classification.

Literature cited by the submitters: PubMed 18268044 (cited by Clinical Genomics, Uppaluri K&H Personalized Medicine Clinic); PubMed 17563455 (cited by Clinical Genomics, Uppaluri K&H Personalized Medicine Clinic); PubMed 32583173 (cited by Clinical Genomics, Uppaluri K&H Personalized Medicine Clinic); PubMed 35052457 (cited by Clinical Genomics, Uppaluri K&H Personalized Medicine Clinic); PubMed 35118593 (cited by Clinical Genomics, Uppaluri K&H Personalized Medicine Clinic); DOI 10.1159/000334532 (cited by Clinical Genomics, Uppaluri K&H Personalized Medicine Clinic).

NM_175914.5(HNF4A):c.791A>G (p.Tyr264Cys)

Gene: HNF4A (hepatocyte nuclear factor 4 alpha; plus strand). Cytogenetic location: 20q13.12.
Variant type: single nucleotide variant.
Coding change: c.791A>G on transcript NM_175914.5 (MANE Select); coding-DNA position 791, A replaced by G.
Protein change: p.Tyr264Cys; replaces tyrosine 264 with cysteine.
Molecular consequence: missense variant.
Genome position (GRCh38, 1-based): chr20:44,419,841, A>G. VCF-style: chr20-44419841-A-G. GRCh37 (hg19) VCF-style: chr20-43048481-A-G.
Other names: NM_178850.2:c.857A>G; c.857A>G, p.Tyr286Cys (NM_000457.6, NM_178849.3, NM_178850.3); c.791A>G, p.Tyr264Cys (NM_001030003.3, NM_001030004.3); c.836A>G, p.Tyr279Cys (NM_001258355.2); c.782A>G, p.Tyr261Cys (NM_001287182.2, NM_001287183.2, NM_001287184.2); short protein forms Y261C, Y264C, Y286C, Y279C.
Identifiers: ClinVar variation 633668 (VCV000633668.6), dbSNP rs748714111, ClinGen allele CA9870376.